The following is an entry in ClinVar:

NM_012210.4(TRIM32):c.1029G>T (p.Gln343His)

Genes: ASTN2 (astrotactin 2; minus strand), TRIM32 (tripartite motif containing 32; plus strand). Cytogenetic location: 9q33.1.
Variant type: single nucleotide variant.
Coding change: c.1029G>T on transcript NM_012210.4 (MANE Select); coding-DNA position 1029, G replaced by T.
Protein change: p.Gln343His; replaces glutamine 343 with histidine.
Molecular consequence: missense variant. On other transcripts: intron variant (3).
Genome position (GRCh38, 1-based): chr9:116,698,771, G>T. VCF-style: chr9-116698771-G-T. GRCh37 (hg19) VCF-style: chr9-119461050-G-T.
Other names: c.1029G>T, p.Gln343His (NM_001099679.2, NM_001379048.1, NM_001379049.1 and 1 more transcripts); c.2653+27000C>A (NM_014010.5); c.2794+27000C>A (NM_001365069.1); c.2806+27000C>A (NM_001365068.1); short protein forms Q343H.
Identifiers: ClinVar variation 4977555 (VCV004977555.1).

ClinVar aggregate classification (germline): Uncertain significance (1 of 4 stars; one submission).

Conditions:
TRIM32-related disorder. Also called: TRIM32-related condition.

gnomAD v4.1: 9 of 1,614,066 alleles (0.00056%); highest among the groups gnomAD compares: Non-Finnish European, 0.00076%; no homozygotes.

Submission:

PreventionGenetics, part of Exact Sciences
Classification: Uncertain significance for TRIM32-related condition. Last evaluated: 2025-06-02. Review status: criteria provided, single submitter. Criteria: ACMG Guidelines, 2015. Collection method: clinical testing. Allele origin: germline.
Comment: The TRIM32 c.1029G>T variant is predicted to result in the amino acid substitution p.Gln343His. To our knowledge, this variant has not been reported in the literature. This variant is reported in 0.0015% of alleles in individuals of European (Non-Finnish) descent in gnomAD. At this time, the clinical significance of this variant is uncertain due to the absence of conclusive functional and genetic evidence.